The following is an entry in ClinVar:

ClinVar aggregate classification (germline): Pathogenic. Review status: criteria provided, single submitter (1 of 4 stars). 2 submissions from 2 submitters: Pathogenic (1). 1 of the submissions does not count toward it. Last evaluated 2023-03-16.

Conditions:
Familial thoracic aortic aneurysm and aortic dissection (TAAD). Also called: Thoracic aortic aneurysms and dissections. Identifiers: Orphanet 91387, MedGen C4707243, MONDO:0019625.
Marfan syndrome (MFS). Also called: Marfan syndrome type 1; Marfan syndrome, classic; Marfan's syndrome; FBN1-Related Marfan Syndrome; MARFAN SYNDROME, TYPE I. Identifiers: Orphanet 284963, Orphanet 558, MedGen C0024796, MONDO:0007947, OMIM 154700.

Submissions (2):

Labcorp Genetics (formerly Invitae), Labcorp
Classification: Pathogenic for Marfan syndrome; Familial thoracic aortic aneurysm and aortic dissection. Last evaluated: 2023-03-16. Review status: criteria provided, single submitter. Criteria: Invitae Variant Classification Sherloc (09022015). Collection method: clinical testing. Allele origin: germline.
Comment: This sequence change creates a premature translational stop signal (p.Cys2331*) in the FBN1 gene. It is expected to result in an absent or disrupted protein product. Loss-of-function variants in FBN1 are known to be pathogenic (PMID: 17657824, 19293843). This variant is not present in population databases (gnomAD no frequency). This premature translational stop signal has been observed in individuals with Marfan syndrome (PMID: 19012347, 19159394). ClinVar contains an entry for this variant (Variation ID: 549382). For these reasons, this variant has been classified as Pathogenic.

Center for Medical Genetics Ghent, University of Ghent
Classification: Likely pathogenic for Marfan syndrome. Last evaluated: 2017-11-07. Review status: no assertion criteria provided. Collection method: clinical testing. Allele origin: germline. Affected: yes. Not counted in ClinVar's aggregate classification.

Literature cited by the submitters: PubMed 17657824 (cited by Labcorp Genetics (formerly Invitae), Labcorp); PubMed 19293843 (cited by Labcorp Genetics (formerly Invitae), Labcorp); PubMed 19012347 (cited by Labcorp Genetics (formerly Invitae), Labcorp); PubMed 19159394 (cited by Labcorp Genetics (formerly Invitae), Labcorp).

NM_000138.5(FBN1):c.6993C>A (p.Cys2331Ter)

Gene: FBN1 (fibrillin 1; minus strand). Cytogenetic location: 15q21.1.
Variant type: single nucleotide variant.
Coding change: c.6993C>A on transcript NM_000138.5 (MANE Select); coding-DNA position 6993, C replaced by A.
Protein change: p.Cys2331Ter; replaces cysteine 2331 with a stop codon.
Molecular consequence: nonsense.
Genome position (GRCh38, 1-based): chr15:48,428,350, G>T on the plus strand (C>A on the coding strand, the complement: FBN1 is on the minus strand). VCF-style: chr15-48428350-G-T. GRCh37 (hg19) VCF-style: chr15-48720547-G-T.
Other names: short protein forms C2331*.
Identifiers: ClinVar variation 549382 (VCV000549382.4), dbSNP rs534811966, ClinGen allele CA392330414.